The following is an entry in ClinVar:

NM_004287.5(GOSR2):c.-30G>C

Genes: GOSR2 (golgi SNAP receptor complex member 2; plus strand), LRRC37A2 (leucine rich repeat containing 37 member A2). Cytogenetic location: 17q21.32.
Variant type: single nucleotide variant.
Coding change: c.-30G>C on transcript NM_004287.5 (MANE Select); 30 bases upstream of the start codon, G replaced by C.
Molecular consequence: 5 prime UTR variant. On other transcripts: non-coding transcript variant (3).
Genome position (GRCh38, 1-based): chr17:46,923,163, G>C. VCF-style: chr17-46923163-G-C. GRCh37 (hg19) VCF-style: chr17-45000529-G-C.
Other names: c.-30G>C (NM_001012511.3, NM_001321133.2, NM_001330252.2 and 4 more transcripts); c.-132G>C (NM_001321134.2); c.-495G>C (NM_001363851.2).
Identifiers: ClinVar variation 137487 (VCV000137487.12), dbSNP rs189899, ClinGen allele CA291098.

ClinVar aggregate classification (germline): Benign. Review status: criteria provided, multiple submitters, no conflicts (2 of 4 stars). 6 submissions from 6 submitters: Benign (4). 2 of the submissions do not count toward it. Last evaluated 2024-07-15.

Conditions:
Progressive myoclonic epilepsy type 6. Identifiers: Orphanet 280620, MedGen C5190805, MONDO:0013526, OMIM 614018.

Allele frequency attached by ClinVar (database versions not stated): ESP Exome Variant Server 0.30023; TOPMed 0.35152; 1000 Genomes Project 30x 0.37289; 1000 Genomes Project 0.37320; ExAC 0.39610.
gnomAD v4.1: 560,909 of 1,448,982 alleles (39%); highest among the groups gnomAD compares: East Asian, 47%; 110,254 homozygotes.

Submissions (6):

Unidad de Genómica Garrahan, Hospital de Pediatría Garrahan
Classification: Benign. Last evaluated: 2024-07-15. Review status: criteria provided, single submitter. Criteria: ACMG Guidelines, 2015. Collection method: clinical testing. Allele origin: germline. Affected: no. Observed: 55 variant alleles.
Comment: This variant is classified as Benign based on local population frequency. This variant was detected in 59% of patients studied in a panel designed for Epileptic and Developmental Encephalopathy and Progressive Myoclonus Epilepsy. Number of patients: 55. Only high quality variants are reported.

Genome-Nilou Lab
Classification: Benign for Progressive myoclonic epilepsy type 6. Last evaluated: 2021-08-10. Review status: criteria provided, single submitter. Criteria: ACMG Guidelines, 2015. Collection method: clinical testing. Allele origin: germline. Affected: no.

GeneDx
Classification: Benign. Last evaluated: 2013-10-29. Review status: criteria provided, single submitter. Criteria: GeneDx Variant Classification (06012015). Collection method: clinical testing. Allele origin: germline. Affected: yes.
Comment: This variant is considered likely benign or benign based on one or more of the following criteria: it is a conservative change, it occurs at a poorly conserved position in the protein, it is predicted to be benign by multiple in silico algorithms, and/or has population frequency not consistent with disease.

Breakthrough Genomics
Classification: Benign. Review status: criteria provided, single submitter. Criteria: ACMG Guidelines, 2015. Collection method: not provided. Allele origin: germline. Inheritance: Autosomal recessive inheritance. Affected: yes.

Genome Diagnostics Laboratory, University Medical Center Utrecht
Classification: Benign. Review status: no assertion criteria provided. Collection method: clinical testing. Allele origin: germline. Affected: yes. Study: VKGL Data-share Consensus. Not counted in ClinVar's aggregate classification.

Joint Genome Diagnostic Labs from Nijmegen and Maastricht, Radboudumc and MUMC+
Classification: Benign. Review status: no assertion criteria provided. Collection method: clinical testing. Allele origin: germline. Affected: yes. Study: VKGL Data-share Consensus. Not counted in ClinVar's aggregate classification.